The following is an entry in ClinVar:

ClinVar aggregate classification (germline): Uncertain significance (1 of 4 stars; one submission).

Conditions:
MHC class II deficiency. Also called: BLS, TYPE II; Bare lymphocyte syndrome 2. Identifiers: Orphanet 572, MedGen C5447452, MONDO:0008855.

Allele frequency attached by ClinVar (database versions not stated): gnomAD exomes 0.00001.
gnomAD v4.1: 5 of 1,614,070 alleles (0.00031%); highest among the groups gnomAD compares: Non-Finnish European, 0.00042%; no homozygotes.

Submission:

Labcorp Genetics (formerly Invitae), Labcorp
Classification: Uncertain significance for MHC class II deficiency. Last evaluated: 2024-07-29. Review status: criteria provided, single submitter. Criteria: Invitae Variant Classification Sherloc (09022015). Collection method: clinical testing. Allele origin: germline.
Comment: This sequence change replaces leucine, which is neutral and non-polar, with phenylalanine, which is neutral and non-polar, at codon 774 of the CIITA protein (p.Leu774Phe). This variant is not present in population databases (gnomAD no frequency). This variant has not been reported in the literature in individuals affected with CIITA-related conditions. ClinVar contains an entry for this variant (Variation ID: 1427908). An algorithm developed to predict the effect of missense changes on protein structure and function (PolyPhen-2) suggests that this variant is likely to be tolerated. In summary, the available evidence is currently insufficient to determine the role of this variant in disease. Therefore, it has been classified as a Variant of Uncertain Significance.

NM_000246.4(CIITA):c.2320C>T (p.Leu774Phe)

Gene: CIITA (class II major histocompatibility complex transactivator; plus strand). Cytogenetic location: 16p13.13.
Variant type: single nucleotide variant.
Coding change: c.2320C>T on transcript NM_000246.4 (MANE Select); coding-DNA position 2320, C replaced by T.
Protein change: p.Leu774Phe; replaces leucine 774 with phenylalanine.
Molecular consequence: missense variant. On other transcripts: intron variant (1).
Genome position (GRCh38, 1-based): chr16:10,907,812, C>T. VCF-style: chr16-10907812-C-T. GRCh37 (hg19) VCF-style: chr16-11001669-C-T.
Other names: c.2323C>T, p.Leu775Phe (NM_001286402.1, NM_001379332.1); c.2176C>T, p.Leu726Phe (NM_001379330.1); c.2173C>T, p.Leu725Phe (NM_001379331.1); c.2320C>T, p.Leu774Phe (NM_001379333.1); c.2251C>T, p.Leu751Phe (NM_001379334.1); c.860-1171C>T (NM_001286403.2); short protein forms L726F, L725F, L751F, L774F, L775F.
Identifiers: ClinVar variation 1427908 (VCV001427908.8), dbSNP rs2144738107, ClinGen allele CA394732987.